The following is an entry in ClinVar:

ClinVar aggregate classification (germline): Conflicting classifications of pathogenicity. Review status: criteria provided, conflicting classifications (1 of 4 stars). 2 submissions from 2 submitters: Uncertain significance (1); Likely benign (1). Last evaluated 2025-04-14.

Conditions:
Progressive sclerosing poliodystrophy (MTDPS4A). Also called: Alpers Syndrome; ALPERS DIFFUSE DEGENERATION OF CEREBRAL GRAY MATTER WITH HEPATIC CIRRHOSIS; Alpers-Huttenlocher Syndrome; Mitochondrial DNA depletion syndrome 4A (Alpers type); Mitochondrial DNA Depletion Syndrome 4A; Alpers-Huttenlocher Syndrome (AHS). Identifiers: Orphanet 726, MedGen C0205710, MONDO:0008758, OMIM 203700.

Allele frequency attached by ClinVar (database versions not stated): TOPMed 0.00001.
gnomAD v4.1: 4 of 1,604,890 alleles (0.00025%); highest among the groups gnomAD compares: Non-Finnish European, 0.00025%; no homozygotes.

Submissions (2):

Labcorp Genetics (formerly Invitae), Labcorp
Classification: Uncertain significance for Progressive sclerosing poliodystrophy. Last evaluated: 2025-04-14. Review status: criteria provided, single submitter. Criteria: Invitae Variant Classification Sherloc (09022015). Collection method: clinical testing. Allele origin: germline.
Comment: This sequence change replaces proline, which is neutral and non-polar, with arginine, which is basic and polar, at codon 56 of the POLG protein (p.Pro56Arg). This variant is not present in population databases (gnomAD no frequency). This variant has not been reported in the literature in individuals affected with POLG-related conditions. ClinVar contains an entry for this variant (Variation ID: 458692). Invitae Evidence Modeling of protein sequence and biophysical properties (such as structural, functional, and spatial information, amino acid conservation, physicochemical variation, residue mobility, and thermodynamic stability) indicates that this missense variant is not expected to disrupt POLG protein function with a negative predictive value of 95%. In summary, the available evidence is currently insufficient to determine the role of this variant in disease. Therefore, it has been classified as a Variant of Uncertain Significance.

Blueprint Genetics
Classification: Likely benign. Last evaluated: 2024-01-10. Review status: criteria provided, single submitter. Criteria: ACMG Guidelines, 2015. Collection method: clinical testing. Allele origin: germline.

NM_002693.3(POLG):c.167C>G (p.Pro56Arg)

Genes: POLG (DNA polymerase gamma, catalytic subunit; minus strand), POLGARF (POLG alternative reading frame; minus strand). Cytogenetic location: 15q26.1.
Variant type: single nucleotide variant.
Coding change: c.167C>G on transcript NM_002693.3 (MANE Select); coding-DNA position 167, C replaced by G.
Protein change: p.Pro56Arg; replaces proline 56 with arginine.
Molecular consequence: missense variant.
Genome position (GRCh38, 1-based): chr15:89,333,588, G>C on the plus strand (C>G on the coding strand, the complement: POLG is on the minus strand). VCF-style: chr15-89333588-G-C. GRCh37 (hg19) VCF-style: chr15-89876819-G-C.
Other names: c.167C>G, p.Pro56Arg (NM_001126131.2); short protein forms P56R.
Identifiers: ClinVar variation 458692 (VCV000458692.9), dbSNP rs1022612492, ClinGen allele CA393773955.